The following is an entry in ClinVar:

NM_001379180.1(ESRRB):c.938C>T (p.Ser313Leu)

Gene: ESRRB (estrogen related receptor beta; plus strand). Cytogenetic location: 14q24.3.
Variant type: single nucleotide variant.
Coding change: c.938C>T on transcript NM_001379180.1 (MANE Select); coding-DNA position 938, C replaced by T.
Protein change: p.Ser313Leu; replaces serine 313 with leucine.
Molecular consequence: missense variant.
Genome position (GRCh38, 1-based): chr14:76,491,534, C>T. VCF-style: chr14-76491534-C-T. GRCh37 (hg19) VCF-style: chr14-76957877-C-T.
Other names: c.890C>T, p.Ser297Leu (NM_001411038.1); c.875C>T, p.Ser292Leu (NM_004452.4); short protein forms S292L, S297L, S313L.
Identifiers: ClinVar variation 3389400 (VCV003389400.15).
Genomic context (GRCh38, chr14:76,491,534, plus strand): 5'-AGATGAGCCTGCTGCAGAGTGCCTGGATGGAAATCCTCATCCTGGGCATCGTGTACCGCT[C>T]GCTGCCCTATGACGACAAGCTGGTGTACGCTGAGGACTACATCATGGATGAGGAGCACTC-3'
Protein context (NP_001366109.1, residues 303-323): EILILGIVYR[Ser313Leu]LPYDDKLVYA

ClinVar aggregate classification (germline): Conflicting classifications of pathogenicity. Review status: criteria provided, conflicting classifications (1 of 4 stars). 2 submissions from 2 submitters: Likely pathogenic (1); Uncertain significance (1). Last evaluated 2025-01-09.

Conditions:
Autosomal recessive nonsyndromic hearing loss 35. Identifiers: Orphanet 90636, MedGen C1837857, MONDO:0012060, OMIM 608565.

gnomAD v4.1: 9 of 1,597,696 alleles (0.00056%); highest among the groups gnomAD compares: Admixed American, 0.0018%; no homozygotes.

Submissions (2):

Institute of Rare Diseases, West China Hospital, Sichuan University
Classification: Likely pathogenic for Autosomal recessive nonsyndromic hearing loss 35. Last evaluated: 2025-01-09. Review status: criteria provided, single submitter. Criteria: ClinGen HL ACMG Specifications v1. Collection method: research. Allele origin: germline. Affected: yes.

CeGaT Center for Human Genetics Tuebingen
Classification: Uncertain significance. Last evaluated: 2024-11-01. Review status: criteria provided, single submitter. Criteria: CeGaT Center For Human Genetics Tuebingen Variant Classification Criteria Version 2. Collection method: clinical testing. Allele origin: germline. Affected: yes. Observed: 1 variant allele.
Comment: ESRRB: PM2, PP3